The following is an entry in ClinVar:

ClinVar aggregate classification (germline): Benign. Review status: criteria provided, multiple submitters, no conflicts (2 of 4 stars). 5 submissions from 5 submitters: Benign (5). Last evaluated 2026-02-02.

Conditions:
Isolated microphthalmia 3 (MCOPS16). Also called: MICROPHTHALMIA, SYNDROMIC 16. Identifiers: Orphanet 2542, MedGen C5774181, MONDO:0012604, OMIM 611038.

Allele frequency attached by ClinVar (database versions not stated): gnomAD exomes 0.23827 and 0.28729; ESP Exome Variant Server 0.21049; TOPMed 0.26160; gnomAD 0.26465 and 0.26755; 1000 Genomes Project 0.22823; ExAC 0.32294; 1000 Genomes Project 30x 0.23251.
gnomAD v4.1: 449,727 of 1,579,814 alleles (28%); highest among the groups gnomAD compares: Non-Finnish European, 30%; 65,838 homozygotes.

Submissions (5):

Labcorp Genetics (formerly Invitae), Labcorp
Classification: Benign for Isolated microphthalmia 3. Last evaluated: 2026-02-02. Review status: criteria provided, single submitter. Criteria: Invitae Variant Classification Sherloc (09022015). Collection method: clinical testing. Allele origin: germline.

Illumina Laboratory Services, Illumina
Classification: Benign for Isolated microphthalmia 3. Last evaluated: 2018-01-13. Review status: criteria provided, single submitter. Criteria: ICSL Variant Classification Criteria 13 December 2019. Collection method: clinical testing. Allele origin: germline.
Comment: This variant was observed in the ICSL laboratory as part of a predisposition screen in an ostensibly healthy population. It had not been previously curated by ICSL or reported in the Human Gene Mutation Database (HGMD: prior to June 1st, 2018), and was therefore a candidate for classification through an automated scoring system. Utilizing variant allele frequency, disease prevalence and penetrance estimates, and inheritance mode, an automated score was calculated to assess if this variant is too frequent to cause the disease. Based on the score and internal cut-off values, a variant classified as benign is not then subjected to further curation. The score for this variant resulted in a classification of benign for this disease.

GeneDx
Classification: Benign. Last evaluated: 2015-03-03. Review status: criteria provided, single submitter. Criteria: GeneDx Variant Classification Process June 2021. Collection method: clinical testing. Allele origin: germline. Affected: yes.

Breakthrough Genomics
Classification: Benign. Review status: criteria provided, single submitter. Criteria: ACMG Guidelines, 2015. Collection method: not provided. Allele origin: germline. Inheritance: Autosomal recessive inheritance. Affected: yes.

PreventionGenetics, part of Exact Sciences
Classification: Benign. Review status: criteria provided, single submitter. Criteria: ACMG Guidelines, 2015. Collection method: clinical testing. Allele origin: germline.

NM_013435.3(RAX):c.882A>G (p.Gln294=)

Gene: RAX (retina and anterior neural fold homeobox; minus strand). Cytogenetic location: 18q21.32.
Variant type: single nucleotide variant.
Coding change: c.882A>G on transcript NM_013435.3 (MANE Select); coding-DNA position 882, A replaced by G.
Protein change: p.Gln294=; no amino-acid change (glutamine 294 retained).
Molecular consequence: synonymous variant.
Genome position (GRCh38, 1-based): chr18:59,269,163, T>C on the plus strand (A>G on the coding strand, the complement: RAX is on the minus strand). VCF-style: chr18-59269163-T-C. GRCh37 (hg19) VCF-style: chr18-56936395-T-C.
Identifiers: ClinVar variation 260310 (VCV000260310.18), dbSNP rs7226481, ClinGen allele CA8979254.